The following is an entry in ClinVar:

ClinVar aggregate classification (germline): Likely benign. Review status: criteria provided, multiple submitters, no conflicts (2 of 4 stars). 3 submissions from 3 submitters: Likely benign (3). Last evaluated 2025-11-10.

Conditions:
Hereditary cancer-predisposing syndrome. Also called: Hereditary Cancer Syndrome; Tumor predisposition; Neoplastic Syndromes, Hereditary; Hereditary neoplastic syndrome. Identifiers: Orphanet 140162, MedGen C0027672, MeSH D009386, MONDO:0015356.
Gorlin syndrome. Also called: Nevoid Basal Cell Carcinoma Syndrome; Basal cell nevus syndrome. Identifiers: Orphanet 377, MedGen C0004779, MONDO:0007187.

Allele frequency attached by ClinVar (database versions not stated): gnomAD exomes below 0.00001 and 0.00001; TOPMed below 0.00001; gnomAD 0.00001.
gnomAD v4.1: 3 of 1,569,020 alleles (0.00019%); highest among the groups gnomAD compares: Non-Finnish European, 0.00026%; no homozygotes.

Submissions (3):

Labcorp Genetics (formerly Invitae), Labcorp
Classification: Likely benign for Gorlin syndrome. Last evaluated: 2025-11-10. Review status: criteria provided, single submitter. Criteria: Invitae Variant Classification Sherloc (09022015). Collection method: clinical testing. Allele origin: germline.

Ambry Genetics
Classification: Likely benign for Hereditary cancer-predisposing syndrome. Last evaluated: 2021-10-27. Review status: criteria provided, single submitter. Criteria: Ambry Variant Classification Scheme 2023. Collection method: clinical testing. Allele origin: germline.

GeneDx
Classification: Likely benign. Last evaluated: 2017-01-13. Review status: criteria provided, single submitter. Criteria: GeneDx Variant Classification (06012015). Collection method: clinical testing. Allele origin: germline. Affected: yes.
Comment: This variant is considered likely benign or benign based on one or more of the following criteria: it is a conservative change, it occurs at a poorly conserved position in the protein, it is predicted to be benign by multiple in silico algorithms, and/or has population frequency not consistent with disease.

NM_000264.5(PTCH1):c.90C>T (p.Gly30=)

Genes: PTCH1 (patched 1; minus strand), LOC130002133 (ATAC-STARR-seq lymphoblastoid silent region 20071; plus strand). Cytogenetic location: 9q22.32.
Variant type: single nucleotide variant.
Coding change: c.90C>T on transcript NM_000264.5 (MANE Select); coding-DNA position 90, C replaced by T.
Protein change: p.Gly30=; no amino-acid change (glycine 30 retained).
Molecular consequence: synonymous variant. On other transcripts: non-coding transcript variant (1), intron variant (3).
Genome position (GRCh38, 1-based): chr9:95,508,272, G>A on the plus strand (C>T on the coding strand, the complement: PTCH1 is on the minus strand). VCF-style: chr9-95508272-G-A. GRCh37 (hg19) VCF-style: chr9-98270554-G-A.
Other names: c.90C>T, p.Gly30= (NM_001354918.2); c.199-1673C>T (NM_001083603.3); c.4-1673C>T (NM_001083602.3, NM_001354919.2).
Identifiers: ClinVar variation 506841 (VCV000506841.12), dbSNP rs1266520658, ClinGen allele CA466107757.